The following is an entry in ClinVar:

NM_000057.4(BLM):c.3751+2T>C

Gene: BLM (BLM RecQ like helicase; plus strand). Cytogenetic location: 15q26.1.
Variant type: single nucleotide variant.
Coding change: c.3751+2T>C on transcript NM_000057.4 (MANE Select); the canonical splice donor site of the intron after coding-DNA position 3751, T replaced by C.
Molecular consequence: splice donor variant. On other transcripts: intron variant (1).
Genome position (GRCh38, 1-based): chr15:90,804,361, T>C. VCF-style: chr15-90804361-T-C. GRCh37 (hg19) VCF-style: chr15-91347591-T-C.
Other names: c.3751+2T>C (NM_001287246.2); c.2626+2T>C (NM_001287248.2); c.3359-4776T>C (NM_001287247.2).
Identifiers: ClinVar variation 830240 (VCV000830240.7), dbSNP rs1897239414, ClinGen allele CA393848319.
Genomic context (GRCh38, chr15:90,804,361, plus strand): 5'-AGTTTTTGGTGTCCATTACTTCAATATTTTTAATACCGTCACTCTCAAGAAGCTTGCAGG[T>C]GGGTACACATGTATCCTTTGTTACGTGGCACAGATTAATAGGCCGAAAGTTAATCTTGCT-3'

ClinVar aggregate classification (germline): Likely pathogenic. Review status: criteria provided, multiple submitters, no conflicts (2 of 4 stars). 2 submissions from 2 submitters: Likely pathogenic (2). Last evaluated 2022-05-05.

Conditions:
Bloom syndrome (BLM). Also called: Bloom-Torre-Machacek syndrome. Identifiers: Orphanet 125, MedGen C0005859, MONDO:0008876, OMIM 210900.
Hereditary breast ovarian cancer syndrome. Also called: Hereditary breast and/or ovarian cancer syndrome; Hereditary breast and ovarian cancer syndrome (HBOC); Breast and ovarian cancer; Hereditary breast and ovarian cancer; BRCA1- and BRCA2-Associated Hereditary Breast and Ovarian Cancer; Hereditary breast and ovarian cancer syndrome. Identifiers: Orphanet 145, MedGen C0677776, MeSH D061325, MONDO:0003582. Disease mechanism: loss of function.

Allele frequency attached by ClinVar (database versions not stated): gnomAD exomes below 0.00001.
gnomAD v4.1: 1 of 1,611,726 alleles (0.000062%); highest among the groups gnomAD compares: East Asian, 0.0022%; no homozygotes.

Submissions (2):

Labcorp Genetics (formerly Invitae), Labcorp
Classification: Likely pathogenic for Bloom syndrome. Last evaluated: 2022-05-05. Review status: criteria provided, single submitter. Criteria: Invitae Variant Classification Sherloc (09022015). Collection method: clinical testing. Allele origin: germline.
Comment: Disruption of this splice site has been observed in individual(s) with breast cancer (PMID: 32566746). In summary, the currently available evidence indicates that the variant is pathogenic, but additional data are needed to prove that conclusively. Therefore, this variant has been classified as Likely Pathogenic. Algorithms developed to predict the effect of sequence changes on RNA splicing suggest that this variant may disrupt the consensus splice site. ClinVar contains an entry for this variant (Variation ID: 830240). This variant is not present in population databases (gnomAD no frequency). This sequence change affects a donor splice site in intron 19 of the BLM gene. It is expected to disrupt RNA splicing. Variants that disrupt the donor or acceptor splice site typically lead to a loss of protein function (PMID: 16199547), and loss-of-function variants in BLM are known to be pathogenic (PMID: 17407155).

Cancer Genomics Group, Japanese Foundation For Cancer Research
Classification: Likely pathogenic for Hereditary breast and ovarian cancer syndrome. Last evaluated: 2019-05-01. Review status: criteria provided, single submitter. Criteria: ACMG Guidelines, 2015. Collection method: research. Allele origin: germline. Affected: yes.

Literature cited by the submitters: PubMed 32566746 (cited by Labcorp Genetics (formerly Invitae), Labcorp); PubMed 16199547 (cited by Labcorp Genetics (formerly Invitae), Labcorp); PubMed 17407155 (cited by Labcorp Genetics (formerly Invitae), Labcorp).